The following is an entry in ClinVar:

NM_024411.5(PDYN):c.65G>A (p.Cys22Tyr)

Genes: PDYN (prodynorphin; minus strand), PDYN-AS1 (PDYN antisense RNA 1; plus strand). Cytogenetic location: 20p13.
Variant type: single nucleotide variant.
Coding change: c.65G>A on transcript NM_024411.5 (MANE Select); coding-DNA position 65, G replaced by A.
Protein change: p.Cys22Tyr; replaces cysteine 22 with tyrosine.
Molecular consequence: missense variant.
Genome position (GRCh38, 1-based): chr20:1,983,020, C>T on the plus strand (G>A on the coding strand, the complement: PDYN is on the minus strand). VCF-style: chr20-1983020-C-T. GRCh37 (hg19) VCF-style: chr20-1963666-C-T.
Other names: c.65G>A, p.Cys22Tyr (NM_001190892.1, NM_001190898.3, NM_001190899.2 and 1 more transcripts); short protein forms C22Y.
Identifiers: ClinVar variation 2138321 (VCV002138321.4), dbSNP rs773876922, ClinGen allele CA9730395.

ClinVar aggregate classification (germline): Uncertain significance (1 of 4 stars; one submission).

Allele frequency attached by ClinVar (database versions not stated): ExAC 0.00001; gnomAD 0.00003; TOPMed 0.00004.

Submission:

Labcorp Genetics (formerly Invitae), Labcorp
Classification: Uncertain significance. Last evaluated: 2022-03-22. Review status: criteria provided, single submitter. Criteria: Invitae Variant Classification Sherloc (09022015). Collection method: clinical testing. Allele origin: germline.
Comment: Algorithms developed to predict the effect of missense changes on protein structure and function are either unavailable or do not agree on the potential impact of this missense change (SIFT: "Deleterious"; PolyPhen-2: "Probably Damaging"; Align-GVGD: "Class C0"). This missense change has been observed in individual(s) with spinocerebellar ataxia (PMID: 23108490). This variant is present in population databases (rs773876922, gnomAD 0.003%), including at least one homozygous and/or hemizygous individual. This sequence change replaces cysteine, which is neutral and slightly polar, with tyrosine, which is neutral and polar, at codon 22 of the PDYN protein (p.Cys22Tyr). In summary, the available evidence is currently insufficient to determine the role of this variant in disease. Therefore, it has been classified as a Variant of Uncertain Significance.

Literature cited by the submitters: PubMed 23108490.